The following is an entry in ClinVar:

ClinVar aggregate classification (germline): Uncertain significance (1 of 4 stars; one submission).

Allele frequency attached by ClinVar (database versions not stated): gnomAD exomes below 0.00001.
gnomAD v4.1: 1 of 1,613,990 alleles (0.000062%); highest among the groups gnomAD compares: African/African-American, 0.0013%; no homozygotes.

Submission:

Labcorp Genetics (formerly Invitae), Labcorp
Classification: Uncertain significance. Last evaluated: 2023-08-20. Review status: criteria provided, single submitter. Criteria: Invitae Variant Classification Sherloc (09022015). Collection method: clinical testing. Allele origin: germline.
Comment: In summary, the available evidence is currently insufficient to determine the role of this variant in disease. Therefore, it has been classified as a Variant of Uncertain Significance. Advanced modeling of protein sequence and biophysical properties (such as structural, functional, and spatial information, amino acid conservation, physicochemical variation, residue mobility, and thermodynamic stability) performed at Invitae indicates that this missense variant is expected to disrupt USH2A protein function. This variant has not been reported in the literature in individuals affected with USH2A-related conditions. This variant is not present in population databases (gnomAD no frequency). This sequence change replaces proline, which is neutral and non-polar, with leucine, which is neutral and non-polar, at codon 3110 of the USH2A protein (p.Pro3110Leu).

NM_206933.4(USH2A):c.9329C>T (p.Pro3110Leu)

Gene: USH2A (usherin; minus strand). Cytogenetic location: 1q41.
Variant type: single nucleotide variant.
Coding change: c.9329C>T on transcript NM_206933.4 (MANE Select); coding-DNA position 9329, C replaced by T.
Protein change: p.Pro3110Leu; replaces proline 3110 with leucine.
Molecular consequence: missense variant.
Genome position (GRCh38, 1-based): chr1:215,838,033, G>A on the plus strand (C>T on the coding strand, the complement: USH2A is on the minus strand). VCF-style: chr1-215838033-G-A. GRCh37 (hg19) VCF-style: chr1-216011375-G-A.
Other names: short protein forms P3110L.
Identifiers: ClinVar variation 2822278 (VCV002822278.3), dbSNP rs2464586037, ClinGen allele CA344834955.